The following is an entry in ClinVar:

NM_001376.5(DYNC1H1):c.11452C>G (p.Leu3818Val)

Gene: DYNC1H1 (dynein cytoplasmic 1 heavy chain 1; plus strand). Cytogenetic location: 14q32.31.
Variant type: single nucleotide variant.
Coding change: c.11452C>G on transcript NM_001376.5 (MANE Select); coding-DNA position 11452, C replaced by G.
Protein change: p.Leu3818Val; replaces leucine 3818 with valine.
Molecular consequence: missense variant.
Genome position (GRCh38, 1-based): chr14:102,039,246, C>G. VCF-style: chr14-102039246-C-G. GRCh37 (hg19) VCF-style: chr14-102505583-C-G.
Other names: short protein forms L3818V.
Identifiers: ClinVar variation 3235807 (VCV003235807.1), dbSNP rs2503845041, ClinGen allele CA391034115.

ClinVar aggregate classification (germline): Uncertain significance (1 of 4 stars; one submission).

Submission:

Greenwood Genetic Center Diagnostic Laboratories, Greenwood Genetic Center
Classification: Uncertain significance. Last evaluated: 2024-03-21. Review status: criteria provided, single submitter. Criteria: ACMG Guidelines, 2015. Collection method: clinical testing. Allele origin: germline. Affected: yes.
Comment: PM2